The following is an entry in ClinVar:

NM_006379.5(SEMA3C):c.506A>G (p.Asn169Ser)

Gene: SEMA3C (semaphorin 3C; minus strand). Cytogenetic location: 7q21.11.
Variant type: single nucleotide variant.
Coding change: c.506A>G on transcript NM_006379.5 (MANE Select); coding-DNA position 506, A replaced by G.
Protein change: p.Asn169Ser; replaces asparagine 169 with serine.
Molecular consequence: missense variant.
Genome position (GRCh38, 1-based): chr7:80,810,643, T>C on the plus strand (A>G on the coding strand, the complement: SEMA3C is on the minus strand). VCF-style: chr7-80810643-T-C. GRCh37 (hg19) VCF-style: chr7-80439959-T-C.
Other names: c.560A>G, p.Asn187Ser (NM_001350120.2); c.332A>G, p.Asn111Ser (NM_001350121.2); short protein forms N111S, N169S, N187S.
Identifiers: ClinVar variation 2634179 (VCV002634179.2), dbSNP rs747008846, ClinGen allele CA4316420.

ClinVar aggregate classification (germline): Uncertain significance (0 of 4 stars; one submission).

Conditions:
SEMA3C-related disorder. Also called: SEMA3C-related condition.

Allele frequency attached by ClinVar (database versions not stated): gnomAD exomes 0.00002; gnomAD 0.00003; TOPMed 0.00003.
gnomAD v4.1: 37 of 1,613,840 alleles (0.0023%); highest among the groups gnomAD compares: East Asian, 0.054%; no homozygotes.

Submission:

PreventionGenetics, part of Exact Sciences
Classification: Uncertain significance for SEMA3C-related condition. Last evaluated: 2024-04-09. Review status: no assertion criteria provided. Collection method: clinical testing. Allele origin: germline.
Comment: The SEMA3C c.560A>G variant is predicted to result in the amino acid substitution p.Asn187Ser. To our knowledge, this variant has not been reported in the literature. This variant is reported in 0.071% of alleles in individuals of East Asian descent in gnomAD. Although we suspect that this variant may be benign, at this time, the clinical significance of this variant is uncertain due to the absence of conclusive functional and genetic evidence.